The following is an entry in ClinVar:

ClinVar aggregate classification (germline): Benign. Review status: criteria provided, multiple submitters, no conflicts (2 of 4 stars). 3 submissions from 3 submitters: Benign (3). Last evaluated 2023-11-12.

Allele frequency attached by ClinVar (database versions not stated): 1000 Genomes Project 30x 0.21112; 1000 Genomes Project 0.21166; TOPMed 0.24929; gnomAD 0.25959 and 0.26000.
gnomAD v4.1: 269,104 of 933,232 alleles (29%); highest among the groups gnomAD compares: Non-Finnish European, 32%; 41,065 homozygotes.

Submissions (3):

Unidad de Genómica Garrahan, Hospital de Pediatría Garrahan
Classification: Benign. Last evaluated: 2023-11-12. Review status: criteria provided, single submitter. Criteria: ACMG Guidelines, 2015. Collection method: clinical testing. Allele origin: germline. Affected: no. Observed: 44 variant alleles.
Comment: This variant is classified as Benign based on local population frequency. This variant was detected in 46% of patients studied by a panel of primary immunodeficiencies. Number of patients: 44. Only high quality variants are reported.

GeneDx
Classification: Benign. Last evaluated: 2021-05-14. Review status: criteria provided, single submitter. Criteria: GeneDx Variant Classification Process June 2021. Collection method: clinical testing. Allele origin: germline. Affected: yes.

Breakthrough Genomics
Classification: Benign. Review status: criteria provided, single submitter. Criteria: ACMG Guidelines, 2015. Collection method: not provided. Allele origin: germline. Inheritance: Autosomal dominant inheritance. Affected: yes.

NM_002661.5(PLCG2):c.194-111T>C

Gene: PLCG2 (phospholipase C gamma 2; plus strand). Cytogenetic location: 16q23.3.
Variant type: single nucleotide variant.
Coding change: c.194-111T>C on transcript NM_002661.5 (MANE Select); 111 bases into the intron before coding-DNA position 194, T replaced by C.
Molecular consequence: intron variant.
Genome position (GRCh38, 1-based): chr16:81,854,333, T>C. VCF-style: chr16-81854333-T-C. GRCh37 (hg19) VCF-style: chr16-81887938-T-C.
Identifiers: ClinVar variation 1178089 (VCV001178089.5), dbSNP rs4522412, ClinGen allele CA14345787.